The following is an entry in ClinVar:

ClinVar aggregate classification (germline): Likely benign. Review status: criteria provided, single submitter (1 of 4 stars). 2 submissions from 2 submitters: Likely benign (1). 1 of the submissions does not count toward it. Last evaluated 2024-04-16.

Conditions:
Congenital myasthenic syndrome 17. Identifiers: Orphanet 590, MedGen C4225377, MONDO:0014578, OMIM 616304.
Cenani-Lenz syndactyly syndrome. Also called: SYNDACTYLY, TYPE VII; CENANI SYNDACTYLISM. Identifiers: Orphanet 3258, MedGen C1859309, MONDO:0008931, OMIM 212780.
Sclerosteosis 2 (SOST2). Identifiers: Orphanet 3152, MedGen C3280402, MONDO:0013679, OMIM 614305.
LRP4-related disorder. Also called: LRP4-related condition.

Allele frequency attached by ClinVar (database versions not stated): gnomAD exomes below 0.00001; ExAC 0.00001.
gnomAD v4.1: 5 of 1,613,506 alleles (0.00031%); highest among the groups gnomAD compares: Non-Finnish European, 0.000085%; no homozygotes.

Submissions (2):

Labcorp Genetics (formerly Invitae), Labcorp
Classification: Likely benign for Cenani-Lenz syndactyly syndrome; Sclerosteosis 2; Congenital myasthenic syndrome 17. Last evaluated: 2024-04-16. Review status: criteria provided, single submitter. Criteria: Invitae Variant Classification Sherloc (09022015). Collection method: clinical testing. Allele origin: germline.

PreventionGenetics, part of Exact Sciences
Classification: Likely benign for LRP4-related condition. Last evaluated: 2024-07-18. Review status: no assertion criteria provided. Collection method: clinical testing. Allele origin: germline. Not counted in ClinVar's aggregate classification.
Comment: This variant is classified as likely benign based on ACMG/AMP sequence variant interpretation guidelines (Richards et al. 2015 PMID: 25741868, with internal and published modifications).

NM_002334.4(LRP4):c.5316C>T (p.Ser1772=)

Genes: LRP4 (LDL receptor related protein 4; minus strand), LRP4-AS1 (LRP4 antisense RNA 1; plus strand). Cytogenetic location: 11p11.2.
Variant type: single nucleotide variant.
Coding change: c.5316C>T on transcript NM_002334.4 (MANE Select); coding-DNA position 5316, C replaced by T.
Protein change: p.Ser1772=; no amino-acid change (serine 1772 retained).
Molecular consequence: synonymous variant.
Genome position (GRCh38, 1-based): chr11:46,862,675, G>A on the plus strand (C>T on the coding strand, the complement: LRP4 is on the minus strand). VCF-style: chr11-46862675-G-A. GRCh37 (hg19) VCF-style: chr11-46884226-G-A.
Identifiers: ClinVar variation 759577 (VCV000759577.9), dbSNP rs750830696, ClinGen allele CA5969069.